The following is an entry in ClinVar:

ClinVar aggregate classification (germline): Likely benign. Review status: criteria provided, multiple submitters, no conflicts (2 of 4 stars). 2 submissions from 2 submitters: Likely benign (2). Last evaluated 2025-08-20.

Allele frequency attached by ClinVar (database versions not stated): gnomAD exomes 0.00007 and 0.00014; ExAC 0.00008; TOPMed 0.00014; gnomAD 0.00015; ESP Exome Variant Server 0.00038.
gnomAD v4.1: 225 of 1,614,020 alleles (0.014%); highest among the groups gnomAD compares: Non-Finnish European, 0.018%; no homozygotes.

Submissions (2):

Labcorp Genetics (formerly Invitae), Labcorp
Classification: Likely benign. Last evaluated: 2025-08-20. Review status: criteria provided, single submitter. Criteria: Invitae Variant Classification Sherloc (09022015). Collection method: clinical testing. Allele origin: germline.

CeGaT Center for Human Genetics Tuebingen
Classification: Likely benign. Last evaluated: 2022-08-01. Review status: criteria provided, single submitter. Criteria: CeGaT Center For Human Genetics Tuebingen Variant Classification Criteria Version 2. Collection method: clinical testing. Allele origin: germline. Affected: yes. Observed: 1 variant allele.
Comment: PPP2CA: BP4, BP7

NM_002715.4(PPP2CA):c.132C>T (p.Asn44=)

Gene: PPP2CA (protein phosphatase 2 catalytic subunit alpha; minus strand). Cytogenetic location: 5q31.1.
Variant type: single nucleotide variant.
Coding change: c.132C>T on transcript NM_002715.4 (MANE Select); coding-DNA position 132, C replaced by T.
Protein change: p.Asn44=; no amino-acid change (asparagine 44 retained).
Molecular consequence: synonymous variant. On other transcripts: 5 prime UTR variant (1), non-coding transcript variant (1).
Genome position (GRCh38, 1-based): chr5:134,206,102, G>A on the plus strand (C>T on the coding strand, the complement: PPP2CA is on the minus strand). VCF-style: chr5-134206102-G-A. GRCh37 (hg19) VCF-style: chr5-133541793-G-A.
Other names: c.-64C>T (NM_001355019.2).
Identifiers: ClinVar variation 1585258 (VCV001585258.32), dbSNP rs147066435, ClinGen allele CA3412879.
Genomic context (GRCh38, chr5:134,206,102, plus strand): 5'-ATCATGAAATTGCCCATGCACATCTCCACAGACAGTAACTGGACATCGAACCTCTTGCAC[G>A]TTGGATTCTTTTGTCAGGATTTCTTTAGCCTACAGATGGGAGACAAAAATAAGGCAATAC-3'
Protein context (NP_002706.1, residues 34-54): KAKEILTKES[Asn44=]VQEVRCPVTV